The following is an entry in ClinVar:

ClinVar aggregate classification (germline): Uncertain significance (1 of 4 stars; one submission).

Conditions:
Emery-Dreifuss muscular dystrophy 4, autosomal dominant (EDMD4). Also called: EMERY-DREIFUSS MUSCULAR DYSTROPHY 4 WITH VARIABLE FEATURES. Identifiers: Orphanet 261, MedGen C2751807, MONDO:0013071, OMIM 612998.
Autosomal recessive ataxia, Beauce type. Also called: Spinocerebellar ataxia, autosomal recessive 8; ATAXIA, RECESSIVE, OF BEAUCE; SYNE1 Deficiency; SYNE1-Related Autosomal Recessive Cerebellar Ataxia. Identifiers: Orphanet 88644, MedGen C1853116, MONDO:0012549, OMIM 610743.

Allele frequency attached by ClinVar (database versions not stated): TOPMed below 0.00001; gnomAD 0.00001; gnomAD exomes 0.00001.
gnomAD v4.1: 23 of 1,613,820 alleles (0.0014%); highest among the groups gnomAD compares: Non-Finnish European, 0.0018%; no homozygotes.

Submission:

Labcorp Genetics (formerly Invitae), Labcorp
Classification: Uncertain significance for Emery-Dreifuss muscular dystrophy 4, autosomal dominant; Autosomal recessive ataxia, Beauce type. Last evaluated: 2020-02-19. Review status: criteria provided, single submitter. Criteria: Invitae Variant Classification Sherloc (09022015). Collection method: clinical testing. Allele origin: germline.
Comment: This variant is not present in population databases (ExAC no frequency). This sequence change replaces isoleucine with threonine at codon 136 of the SYNE1 protein (p.Ile136Thr). The isoleucine residue is highly conserved and there is a moderate physicochemical difference between isoleucine and threonine. This variant has not been reported in the literature in individuals with SYNE1-related conditions. In summary, the available evidence is currently insufficient to determine the role of this variant in disease. Therefore, it has been classified as a Variant of Uncertain Significance. Algorithms developed to predict the effect of missense changes on protein structure and function are either unavailable or do not agree on the potential impact of this missense change (SIFT: "Deleterious"; PolyPhen-2: "Probably Damaging"; Align-GVGD: "Class C0").

NM_182961.4(SYNE1):c.386T>C (p.Ile129Thr)

Gene: SYNE1 (spectrin repeat containing nuclear envelope protein 1; minus strand). Cytogenetic location: 6q25.2.
Variant type: single nucleotide variant.
Coding change: c.386T>C on transcript NM_182961.4 (MANE Select); coding-DNA position 386, T replaced by C.
Protein change: p.Ile129Thr; replaces isoleucine 129 with threonine.
Molecular consequence: missense variant.
Genome position (GRCh38, 1-based): chr6:152,511,027, A>G on the plus strand (T>C on the coding strand, the complement: SYNE1 is on the minus strand). VCF-style: chr6-152511027-A-G. GRCh37 (hg19) VCF-style: chr6-152832162-A-G.
Other names: c.407T>C, p.Ile136Thr (NM_033071.5); short protein forms I129T, I136T.
Identifiers: ClinVar variation 1061157 (VCV001061157.9), dbSNP rs1029244968, ClinGen allele CA150243873.